The following is an entry in ClinVar:

ClinVar aggregate classification (germline): Uncertain significance (1 of 4 stars; one submission).

Allele frequency attached by ClinVar (database versions not stated): TOPMed 0.00001.
gnomAD v4.1: 41 of 1,566,034 alleles (0.0026%); highest among the groups gnomAD compares: African/African-American, 0.033%; 6 homozygotes.

Submission:

Labcorp Genetics (formerly Invitae), Labcorp
Classification: Uncertain significance. Last evaluated: 2025-08-14. Review status: criteria provided, single submitter. Criteria: Invitae Variant Classification Sherloc (09022015). Collection method: clinical testing. Allele origin: germline.
Comment: This sequence change replaces alanine, which is neutral and non-polar, with aspartic acid, which is acidic and polar, at codon 10 of the DMRT2 protein (p.Ala10Asp). The frequency data for this variant in the population databases is considered unreliable, as metrics indicate poor data quality at this position in the gnomAD database. This variant has not been reported in the literature in individuals affected with DMRT2-related conditions. ClinVar contains an entry for this variant (Variation ID: 2063059). An algorithm developed to predict the effect of missense changes on protein structure and function (PolyPhen-2) suggests that this variant is likely to be disruptive. In summary, the available evidence is currently insufficient to determine the role of this variant in disease. Therefore, it has been classified as a Variant of Uncertain Significance.

NM_181872.6(DMRT2):c.29C>A (p.Ala10Asp)

Gene: DMRT2 (doublesex and mab-3 related transcription factor 2; plus strand). Cytogenetic location: 9p24.3.
Variant type: single nucleotide variant.
Coding change: c.29C>A on transcript NM_181872.6 (MANE Select); coding-DNA position 29, C replaced by A.
Protein change: p.Ala10Asp; replaces alanine 10 with aspartic acid.
Molecular consequence: missense variant. On other transcripts: 5 prime UTR variant (1), non-coding transcript variant (1).
Genome position (GRCh38, 1-based): chr9:1,051,642, C>A. VCF-style: chr9-1051642-C-A. GRCh37 (hg19) VCF-style: chr9-1051642-C-A.
Other names: c.29C>A, p.Ala10Asp (NM_001130865.3, NM_001370531.1, NM_001370533.1 and 4 more transcripts); c.-622C>A (NM_001370532.1); short protein forms A10D.
Identifiers: ClinVar variation 2063059 (VCV002063059.4), dbSNP rs1001018184, ClinGen allele CA187866784.